The following is an entry in ClinVar:

NM_004304.5(ALK):c.2206A>G (p.Ile736Val)

Gene: ALK (ALK receptor tyrosine kinase; minus strand). Cytogenetic location: 2p23.2.
Variant type: single nucleotide variant.
Coding change: c.2206A>G on transcript NM_004304.5 (MANE Select); coding-DNA position 2206, A replaced by G.
Protein change: p.Ile736Val; replaces isoleucine 736 with valine.
Molecular consequence: missense variant.
Genome position (GRCh38, 1-based): chr2:29,239,829, T>C on the plus strand (A>G on the coding strand, the complement: ALK is on the minus strand). VCF-style: chr2-29239829-T-C. GRCh37 (hg19) VCF-style: chr2-29462695-T-C.
Other names: short protein forms I736V.
Identifiers: ClinVar variation 5034714 (VCV005034714.1).

ClinVar aggregate classification (germline): Uncertain significance (1 of 4 stars; one submission).

Conditions:
Hereditary cancer-predisposing syndrome. Also called: Hereditary Cancer Syndrome; Neoplastic Syndromes, Hereditary; Tumor predisposition; Hereditary neoplastic syndrome. Identifiers: Orphanet 140162, MedGen C0027672, MeSH D009386, MONDO:0015356.

gnomAD v4.1: 2 of 1,613,306 alleles (0.00012%); highest among the groups gnomAD compares: African/African-American, 0.0013%; no homozygotes.

Submission:

Ambry Genetics
Classification: Uncertain significance for Hereditary cancer-predisposing syndrome. Last evaluated: 2026-08-31. Review status: criteria provided, single submitter. Criteria: Ambry Variant Classification Scheme 2023. Collection method: clinical testing. Allele origin: germline.
Comment: The p.I736V variant (also known as c.2206A>G), located in coding exon 13 of the ALK gene, results from an A to G substitution at nucleotide position 2206. The isoleucine at codon 736 is replaced by valine, an amino acid with highly similar properties. This amino acid position is conserved. In addition, this alteration is predicted to be tolerated by in silico analysis. Based on the available evidence, the clinical significance of this variant remains unclear.